The following is an entry in ClinVar:

NM_001365536.1(SCN9A):c.2006G>A (p.Arg669His)

Genes: SCN1A-AS1 (SCN1A and SCN9A antisense RNA 1; plus strand), SCN9A (sodium voltage-gated channel alpha subunit 9; minus strand). Cytogenetic location: 2q24.3.
Variant type: single nucleotide variant.
Coding change: c.2006G>A on transcript NM_001365536.1 (MANE Select); coding-DNA position 2006, G replaced by A.
Protein change: p.Arg669His; replaces arginine 669 with histidine.
Molecular consequence: missense variant.
Genome position (GRCh38, 1-based): chr2:166,281,777, C>T on the plus strand (G>A on the coding strand, the complement: SCN9A is on the minus strand). VCF-style: chr2-166281777-C-T. GRCh37 (hg19) VCF-style: chr2-167138287-C-T.
Other names: c.1973G>A, p.Arg658His (NM_002977.4); short protein forms R658H, R669H.
Identifiers: ClinVar variation 471092 (VCV000471092.27), dbSNP rs200374987, ClinGen allele CA1944360.
Genomic context (GRCh38, chr2:166,281,777, plus strand): 5'-GCTCTCTGTCTGAGGTTGGGATCATTCAGCATATCCTCTGAAAGGAGATAGGAACTACAA[C>T]GCCTTTTCTTGTGTATTTGATTGGTCGTGCCCTAAAAAAAAAATCAATTAATGTCTTAAG-3'
Protein context (NP_001352465.1, residues 659-679): GTTNQIHKKR[Arg669His]CSSYLLSEDM

ClinVar aggregate classification (germline): Conflicting classifications of pathogenicity. Review status: criteria provided, conflicting classifications (1 of 4 stars). 7 submissions from 7 submitters: Uncertain significance (6); Likely benign (1). Last evaluated 2026-09-11.

Conditions:
Neuropathy, hereditary sensory and autonomic, type 2A (HSAN2A). Also called: WNK1-Related HSAN2 (HSAN2A); HSAN IIA; ACROOSTEOLYSIS, GIACCAI TYPE; ACROOSTEOLYSIS, NEUROGENIC; MORVAN DISEASE; NEUROPATHY, CONGENITAL SENSORY. Identifiers: Orphanet 970, MedGen C2752089, MONDO:0024309, OMIM 201300.
Generalized epilepsy with febrile seizures plus, type 7 (GEFSP7). Also called: GEFS+, TYPE 7. Identifiers: Orphanet 36387, MedGen C2751778, MONDO:0013470, OMIM 613863.
Channelopathy-associated congenital insensitivity to pain, autosomal recessive. Also called: Insensitivity to pain, channelopathy-associated; ASYMBOLIA FOR PAIN; CONGENITAL ANALGESIA, AUTOSOMAL RECESSIVE. Identifiers: Orphanet 88642, Orphanet 970, MedGen C1855739, MONDO:0009459, OMIM 243000.
Primary erythromelalgia. Also called: SCN9A Erythromelalgia (SCN9A-EM); primary erythermalgia. Identifiers: Orphanet 306577, Orphanet 90026, MedGen C0014805, MONDO:0007571, OMIM 133020.
Paroxysmal extreme pain disorder (PEXPD). Also called: SCN9A Paroxysmal Extreme Pain Disorder (SCN9A-PEPD); PAIN, SUBMANDIBULAR, OCULAR, AND RECTAL, WITH FLUSHING; RECTAL PAIN, FAMILIAL. Identifiers: Orphanet 46348, MedGen C1833661, MONDO:0008179, OMIM 167400.
Severe myoclonic epilepsy in infancy (DRVT). Also called: SEVERE MYOCLONIC EPILEPSY OF INFANCY; DEVELOPMENTAL AND EPILEPTIC ENCEPHALOPATHY 6A; Severe Myoclonic Epilepsy in Infancy (SMEI); Epileptic encephalopathy, early infantile, 6 (Dravet syndrome); Dravet syndrome. Identifiers: Orphanet 33069, MedGen C0751122, MONDO:0100135, OMIM 607208.
Inborn genetic diseases. Identifiers: MedGen C0950123, MeSH D030342.

Allele frequency attached by ClinVar (database versions not stated): gnomAD 0.00006; gnomAD exomes 0.00007 and 0.00010; TOPMed 0.00007; ExAC 0.00010; 1000 Genomes Project 30x 0.00016; 1000 Genomes Project 0.00020.
gnomAD v4.1: 113 of 1,612,672 alleles (0.007%); highest among the groups gnomAD compares: Admixed American, 0.033%; no homozygotes.

Submissions (7):

GeneDx
Classification: Uncertain significance. Last evaluated: 2026-09-11. Review status: criteria provided, single submitter. Criteria: GeneDx Variant Classification Process June 2021. Collection method: clinical testing. Allele origin: germline.
Comment: In silico analysis supports that this missense variant has a deleterious effect on protein structure/function; Has not been previously published as pathogenic or benign to our knowledge

Labcorp Genetics (formerly Invitae), Labcorp
Classification: Likely benign for Neuropathy, hereditary sensory and autonomic, type 2A; Generalized epilepsy with febrile seizures plus, type 7. Last evaluated: 2026-01-28. Review status: criteria provided, single submitter. Criteria: Invitae Variant Classification Sherloc (09022015). Collection method: clinical testing. Allele origin: germline.

Ambry Genetics
Classification: Uncertain significance for Inborn genetic diseases. Last evaluated: 2024-10-22. Review status: criteria provided, single submitter. Criteria: Ambry Variant Classification Scheme 2023. Collection method: clinical testing. Allele origin: germline.

Athena Diagnostics
Classification: Uncertain significance. Last evaluated: 2024-10-17. Review status: criteria provided, single submitter. Criteria: Athena Diagnostics Criteria. Collection method: clinical testing. Allele origin: unknown.
Comment: Available data are insufficient to determine the clinical significance of the variant at this time. The frequency of this variant in the general population is uninformative in assessment of its pathogenicity. Polyphen and MutationTaster predict this amino acid change may be benign.

Mayo Clinic Laboratories, Mayo Clinic
Classification: Uncertain significance. Last evaluated: 2020-12-21. Review status: criteria provided, single submitter. Criteria: ACMG Guidelines, 2015. Collection method: clinical testing. Allele origin: germline. Observed: 1 variant allele.

Fulgent Genetics
Classification: Uncertain significance for Primary erythromelalgia; Paroxysmal extreme pain disorder; Neuropathy, hereditary sensory and autonomic, type 2A; Channelopathy-associated congenital insensitivity to pain, autosomal recessive; Severe myoclonic epilepsy in infancy; Generalized epilepsy with febrile seizures plus, type 7. Last evaluated: 2018-10-31. Review status: criteria provided, single submitter. Criteria: ACMG Guidelines, 2015. Collection method: clinical testing. Allele origin: unknown.

Eurofins Ntd Llc (ga)
Classification: Uncertain significance. Last evaluated: 2017-10-05. Review status: criteria provided, single submitter. Criteria: EGL Classification Definitions 2015. Collection method: clinical testing. Allele origin: germline. Observed: 1 variant allele, 1 homozygote.